The following is an entry in ClinVar:

ClinVar aggregate classification (germline): Uncertain significance (1 of 4 stars; one submission).

gnomAD v4.1: 3 of 1,614,148 alleles (0.00019%); highest among the groups gnomAD compares: Admixed American, 0.005%; no homozygotes.

Submission:

GeneDx
Classification: Uncertain significance. Last evaluated: 2024-11-21. Review status: criteria provided, single submitter. Criteria: GeneDx Variant Classification Process June 2021. Collection method: clinical testing. Allele origin: germline. Affected: yes.
Comment: Nonsense variant predicted to result in protein truncation or nonsense mediated decay in a gene for which loss of function is a known mechanism of disease; Has not been previously published as pathogenic or benign to our knowledge

NM_000419.5(ITGA2B):c.145C>T (p.Gln49Ter)

Gene: ITGA2B (integrin subunit alpha 2b; minus strand). Cytogenetic location: 17q21.31.
Variant type: single nucleotide variant.
Coding change: c.145C>T on transcript NM_000419.5 (MANE Select); coding-DNA position 145, C replaced by T.
Protein change: p.Gln49Ter; replaces glutamine 49 with a stop codon.
Molecular consequence: nonsense.
Genome position (GRCh38, 1-based): chr17:44,389,329, G>A on the plus strand (C>T on the coding strand, the complement: ITGA2B is on the minus strand). VCF-style: chr17-44389329-G-A. GRCh37 (hg19) VCF-style: chr17-42466697-G-A.
Other names: short protein forms Q49*.
Identifiers: ClinVar variation 3900381 (VCV003900381.1).